The following is an entry in ClinVar:

ClinVar aggregate classification (germline): Conflicting classifications of pathogenicity. Review status: criteria provided, conflicting classifications (1 of 4 stars). 4 submissions from 4 submitters: Uncertain significance (3); Likely benign (1). Last evaluated 2023-11-19.

Conditions:
Hereditary cancer-predisposing syndrome. Also called: Tumor predisposition; Hereditary Cancer Syndrome; Neoplastic Syndromes, Hereditary; Hereditary neoplastic syndrome. Identifiers: Orphanet 140162, MedGen C0027672, MeSH D009386, MONDO:0015356.
Hereditary breast ovarian cancer syndrome. Also called: BRCA1- and BRCA2-Associated Hereditary Breast and Ovarian Cancer; Hereditary breast and ovarian cancer syndrome; Hereditary breast and ovarian cancer; Hereditary breast and ovarian cancer syndrome (HBOC); Hereditary breast and/or ovarian cancer syndrome; Breast and ovarian cancer. Identifiers: Orphanet 145, MedGen C0677776, MeSH D061325, MONDO:0003582. Disease mechanism: loss of function.

Allele frequency attached by ClinVar (database versions not stated): gnomAD exomes below 0.00001.
gnomAD v4.1: 1 of 1,613,090 alleles (0.000062%); highest among the groups gnomAD compares: Non-Finnish European, 0.000085%; no homozygotes.

Submissions (4):

Ambry Genetics
Classification: Uncertain significance for Hereditary cancer-predisposing syndrome. Last evaluated: 2023-11-19. Review status: criteria provided, single submitter. Criteria: Ambry Variant Classification Scheme 2023. Collection method: clinical testing. Allele origin: germline.
Comment: The p.E1548K variant (also known as c.4642G>A), located in coding exon 10 of the BRCA2 gene, results from a G to A substitution at nucleotide position 4642. The glutamic acid at codon 1548 is replaced by lysine, an amino acid with similar properties. This amino acid position is conserved. In addition, the in silico prediction for this alteration is inconclusive. Since supporting evidence is limited at this time, the clinical significance of this alteration remains unclear.

University of Washington Department of Laboratory Medicine, University of Washington
Classification: Likely benign for Hereditary cancer-predisposing syndrome. Last evaluated: 2023-03-23. Review status: criteria provided, single submitter. Criteria: Dines et al. (Genet Med. 2020). Collection method: curation. Allele origin: germline.
Comment: Missense variant in a coldspot region where missense variants are very unlikely to be pathogenic (PMID:31911673).

BRCA2 exon 11 coldspot. Reclassification based on statistical prior probability.

Labcorp Genetics (formerly Invitae), Labcorp
Classification: Uncertain significance for Hereditary breast ovarian cancer syndrome. Last evaluated: 2018-09-20. Review status: criteria provided, single submitter. Criteria: Invitae Variant Classification Sherloc (09022015). Collection method: clinical testing. Allele origin: germline.
Comment: In summary, the available evidence is currently insufficient to determine the role of this variant in disease. Therefore, it has been classified as a Variant of Uncertain Significance. Algorithms developed to predict the effect of missense changes on protein structure and function (SIFT, PolyPhen-2, Align-GVGD) all suggest that this variant is likely to be disruptive, but these predictions have not been confirmed by published functional studies and their clinical significance is uncertain. This variant has not been reported in the literature in individuals with BRCA2-related disease. This variant is not present in population databases (ExAC no frequency). This sequence change replaces glutamic acid with lysine at codon 1548 of the BRCA2 protein (p.Glu1548Lys). The glutamic acid residue is highly conserved and there is a small physicochemical difference between glutamic acid and lysine.

Quest Diagnostics Nichols Institute San Juan Capistrano
Classification: Uncertain significance. Last evaluated: 2018-04-27. Review status: criteria provided, single submitter. Criteria: Quest Diagnostics criteria. Collection method: clinical testing. Allele origin: germline.

NM_000059.4(BRCA2):c.4642G>A (p.Glu1548Lys)

Gene: BRCA2 (BRCA2 DNA repair associated; plus strand). Cytogenetic location: 13q13.1.
Variant type: single nucleotide variant.
Coding change: c.4642G>A on transcript NM_000059.4 (MANE Select); coding-DNA position 4642, G replaced by A.
Protein change: p.Glu1548Lys; replaces glutamic acid 1548 with lysine.
Molecular consequence: missense variant.
Genome position (GRCh38, 1-based): chr13:32,338,997, G>A. VCF-style: chr13-32338997-G-A. GRCh37 (hg19) VCF-style: chr13-32913134-G-A.
Other names: short protein forms E1548K.
Identifiers: ClinVar variation 619809 (VCV000619809.13), dbSNP rs1566230862, ClinGen allele CA387782149.
Genomic context (GRCh38, chr13:32,338,997, plus strand): 5'-AGCGGGAAAAAAGTTAAAATTGCAAAGGAATCTTTGGACAAAGTGAAAAACCTTTTTGAT[G>A]AAAAAGAGCAAGGTACTAGTGAAATCACCAGTTTTAGCCATCAATGGGCAAAGACCCTAA-3'
Protein context (NP_000050.3, residues 1538-1558): SLDKVKNLFD[Glu1548Lys]KEQGTSEITS